The following is an entry in ClinVar:

ClinVar aggregate classification (germline): Conflicting classifications of pathogenicity. Review status: criteria provided, conflicting classifications (1 of 4 stars). 2 submissions from 2 submitters: Uncertain significance (1); Likely benign (1). Last evaluated 2024-01-22.

Conditions:
Adams-Oliver syndrome 5 (AOS5). Identifiers: Orphanet 974, MedGen C4014970, MONDO:0014459, OMIM 616028.
Familial thoracic aortic aneurysm and aortic dissection (TAAD). Also called: Thoracic aortic aneurysms and dissections. Identifiers: Orphanet 91387, MedGen C4707243, MONDO:0019625.

Allele frequency attached by ClinVar (database versions not stated): gnomAD exomes below 0.00001; TOPMed 0.00001; ExAC 0.00003.
gnomAD v4.1: 1 of 1,585,092 alleles (0.000063%); highest among the groups gnomAD compares: Non-Finnish European, 0.000086%; no homozygotes.

Submissions (2):

Labcorp Genetics (formerly Invitae), Labcorp
Classification: Likely benign for Adams-Oliver syndrome 5. Last evaluated: 2024-01-22. Review status: criteria provided, single submitter. Criteria: Invitae Variant Classification Sherloc (09022015). Collection method: clinical testing. Allele origin: germline.

Ambry Genetics
Classification: Uncertain significance for Familial thoracic aortic aneurysm and aortic dissection. Last evaluated: 2023-06-22. Review status: criteria provided, single submitter. Criteria: Ambry Variant Classification Scheme 2023. Collection method: clinical testing. Allele origin: germline.
Comment: The p.V1605A variant (also known as c.4814T>C), located in coding exon 26 of the NOTCH1 gene, results from a T to C substitution at nucleotide position 4814. The valine at codon 1605 is replaced by alanine, an amino acid with similar properties. This amino acid position is conserved. In addition, the in silico prediction for this alteration is inconclusive. Since supporting evidence is limited at this time, the clinical significance of this alteration remains unclear.

NM_017617.5(NOTCH1):c.4814T>C (p.Val1605Ala)

Gene: NOTCH1 (notch receptor 1; minus strand). Cytogenetic location: 9q34.3.
Variant type: single nucleotide variant.
Coding change: c.4814T>C on transcript NM_017617.5 (MANE Select); coding-DNA position 4814, T replaced by C.
Protein change: p.Val1605Ala; replaces valine 1605 with alanine.
Molecular consequence: missense variant.
Genome position (GRCh38, 1-based): chr9:136,504,877, A>G on the plus strand (T>C on the coding strand, the complement: NOTCH1 is on the minus strand). VCF-style: chr9-136504877-A-G. GRCh37 (hg19) VCF-style: chr9-139399329-A-G.
Other names: c.4814T>C (NM_017617.3); short protein forms V1605A.
Identifiers: ClinVar variation 2141046 (VCV002141046.6), dbSNP rs762734252, ClinGen allele CA5340510.
Genomic context (GRCh38, chr9:136,504,877, plus strand): 5'-TCCTCCTCGCGGCCGTAGTAGGGGAAGATCATCTGCTGGCCGTGTGCGTCACGCTTGAAG[A>G]CCACGTTGGTGTGCAGCACGCGGCTGAGCTCCCGCAGGAAGTGGAAGGAGCTGTTGCGCA-3'
Protein context (NP_060087.3, residues 1595-1615): ELSRVLHTNV[Val1605Ala]FKRDAHGQQM